The following is an entry in ClinVar:

ClinVar aggregate classification (germline): Uncertain significance (1 of 4 stars; one submission).

Conditions:
DEGCAGS syndrome. Also called: DEVELOPMENTAL DELAY WITH GASTROINTESTINAL, CARDIOVASCULAR, GENITOURINARY, AND SKELETAL ABNORMALITIES. Identifiers: MedGen C5561967, MONDO:0859181, OMIM 619488.

Submission:

Neuberg Centre For Genomic Medicine, NCGM
Classification: Uncertain significance for DEGCAGS syndrome. Review status: criteria provided, single submitter. Criteria: ACMG Guidelines, 2015. Collection method: clinical testing. Allele origin: germline. Affected: yes.
Comment: The missense variant c.1058A>T(p.His353Leu) in ZNF699 gene has not been reported previously as a pathogenic variant nor as a benign variant, to our knowledge. The p.His353Leu variant is novel (not in any individuals) in gnomAD Exomes and 1000 Genomes. The amino acid His at position 353 is changed to a Leu changing protein sequence and it might alter its composition and physico-chemical properties. The variant is predicted to be damaging by both SIFT and PolyPhen2. The residue is conserved across species. The amino acid change p.His353Leu in ZNF699 is predicted as conserved by GERP++ and PhyloP across 100 vertebrates. For these reasons, this variant has been classified as Variant of Uncertain Significance (VUS).

NM_198535.3(ZNF699):c.1058A>T (p.His353Leu)

Gene: ZNF699 (zinc finger protein 699; minus strand). Cytogenetic location: 19p13.2.
Variant type: single nucleotide variant.
Coding change: c.1058A>T on transcript NM_198535.3 (MANE Select); coding-DNA position 1058, A replaced by T.
Protein change: p.His353Leu; replaces histidine 353 with leucine.
Molecular consequence: missense variant.
Genome position (GRCh38, 1-based): chr19:9,296,346, T>A on the plus strand (A>T on the coding strand, the complement: ZNF699 is on the minus strand). VCF-style: chr19-9296346-T-A. GRCh37 (hg19) VCF-style: chr19-9407022-T-A.
Other names: short protein forms H353L.
Identifiers: ClinVar variation 1878609 (VCV001878609.1), dbSNP rs2066286213, ClinGen allele CA403803954.
Genomic context (GRCh38, chr19:9,296,346, plus strand): 5'-CTGAAGGCCTTCCCACACTCTTTACATTCATAAGGCTTCTCTCCAGTGTGAATTCTTATA[T>A]GTATTATAAGGTGAGAGGAAGAGCTAAAGGCCTTCCCACATTCCTTACATTCATATGGCT-3'
Protein context (NP_940937.1, residues 343-363): AFSSSSHLII[His353Leu]IRIHTGEKPY